The following is an entry in ClinVar:

ClinVar aggregate classification (germline): Benign (0 of 4 stars; one submission).

Conditions:
MYOM2-related disorder. Also called: MYOM2-related condition.

Allele frequency attached by ClinVar (database versions not stated): gnomAD exomes 0.00033; ExAC 0.00123; ESP Exome Variant Server 0.00377; gnomAD 0.00390; TOPMed 0.00394; 1000 Genomes Project 0.00419; 1000 Genomes Project 30x 0.00422.
gnomAD v4.1: 1,084 of 1,614,166 alleles (0.067%); highest among the groups gnomAD compares: African/African-American, 1.3%; 10 homozygotes.

Submission:

PreventionGenetics, part of Exact Sciences
Classification: Benign for MYOM2-related condition. Last evaluated: 2019-10-28. Review status: no assertion criteria provided. Collection method: clinical testing. Allele origin: germline.
Comment: This variant is classified as benign based on ACMG/AMP sequence variant interpretation guidelines (Richards et al. 2015 PMID: 25741868, with internal and published modifications).

NM_003970.4(MYOM2):c.4242C>A (p.Gly1414=)

Gene: MYOM2 (myomesin 2; plus strand). Cytogenetic location: 8p23.3.
Variant type: single nucleotide variant.
Coding change: c.4242C>A on transcript NM_003970.4 (MANE Select); coding-DNA position 4242, C replaced by A.
Protein change: p.Gly1414=; no amino-acid change (glycine 1414 retained).
Molecular consequence: synonymous variant.
Genome position (GRCh38, 1-based): chr8:2,144,825, C>A. VCF-style: chr8-2144825-C-A. GRCh37 (hg19) VCF-style: chr8-2092749-C-A.
Identifiers: ClinVar variation 3040731 (VCV003040731.2), dbSNP rs115393575, ClinGen allele CA170467287.